The following is an entry in ClinVar:

ClinVar aggregate classification (germline): Uncertain significance (1 of 4 stars; one submission).

Conditions:
Hereditary sensory and autonomic neuropathy type 6. Also called: HSAN VI; Neuropathy, hereditary sensory and autonomic, type VI. Identifiers: Orphanet 314381, MedGen C3539003, MONDO:0013839, OMIM 614653.
Epidermolysis bullosa simplex 3, localized or generalized intermediate, with BP230 deficiency (EBS3). Also called: Epidermolysis bullosa simplex, autosomal recessive 2; Epidermolysis bullosa simplex due to BP230 deficiency. Identifiers: Orphanet 412181, MedGen C3809470, MONDO:0014180, OMIM 615425.

Allele frequency attached by ClinVar (database versions not stated): gnomAD 0.00001; TOPMed 0.00001; ExAC 0.00011; 1000 Genomes Project 30x 0.00031.
gnomAD v4.1: 5 of 1,576,246 alleles (0.00032%); highest among the groups gnomAD compares: East Asian, 0.011%; no homozygotes.

Submission:

Labcorp Genetics (formerly Invitae), Labcorp
Classification: Uncertain significance for Epidermolysis bullosa simplex 3, localized or generalized intermediate, with BP230 deficiency; Hereditary sensory and autonomic neuropathy type 6. Last evaluated: 2022-07-04. Review status: criteria provided, single submitter. Criteria: Invitae Variant Classification Sherloc (09022015). Collection method: clinical testing. Allele origin: germline.
Comment: The DST gene has multiple clinically relevant transcripts. This variant occurs in alternate transcript NM_015548.4, and corresponds to NM_001723.5:c.*43288T>A in the primary transcript. This sequence change replaces leucine, which is neutral and non-polar, with histidine, which is basic and polar, at codon 1908 of the DST protein (p.Leu1908His). The frequency data for this variant in the population databases is considered unreliable, as metrics indicate poor data quality at this position in the gnomAD database. This variant has not been reported in the literature in individuals affected with DST-related conditions. Experimental studies and prediction algorithms are not available or were not evaluated, and the functional significance of this variant is currently unknown. In summary, the available evidence is currently insufficient to determine the role of this variant in disease. Therefore, it has been classified as a Variant of Uncertain Significance.

NM_001374736.1(DST):c.13592T>A (p.Leu4531His)

Gene: DST (dystonin; minus strand). Cytogenetic location: 6p12.1.
Variant type: single nucleotide variant.
Coding change: c.13592T>A on transcript NM_001374736.1 (MANE Select); coding-DNA position 13592, T replaced by A.
Protein change: p.Leu4531His; replaces leucine 4531 with histidine.
Molecular consequence: missense variant.
Genome position (GRCh38, 1-based): chr6:56,572,229, A>T on the plus strand (T>A on the coding strand, the complement: DST is on the minus strand). VCF-style: chr6-56572229-A-T. GRCh37 (hg19) VCF-style: chr6-56437027-A-T.
Other names: c.7235T>A, p.Leu2412His (NM_001144769.5); c.6821T>A, p.Leu2274His (NM_001144770.2); c.13592T>A, p.Leu4531His (NM_001374722.1); c.12959T>A, p.Leu4320His (NM_001374729.1); c.6701T>A, p.Leu2234His (NM_001374730.1, NM_001386100.1, NM_183380.4); c.13619T>A, p.Leu4540His (NM_001374734.1); c.5723T>A, p.Leu1908His (NM_015548.5); short protein forms L1908H, L4540H, L2274H, L2412H, L4320H, L4531H, L2234H.
Identifiers: ClinVar variation 1900464 (VCV001900464.5), dbSNP rs760912540, ClinGen allele CA3868188.